The following is an entry in ClinVar:

ClinVar aggregate classification (germline): Pathogenic (1 of 4 stars; one submission).

Submission:

Labcorp Genetics (formerly Invitae), Labcorp
Classification: Pathogenic. Last evaluated: 2023-11-13. Review status: criteria provided, single submitter. Criteria: Invitae Variant Classification Sherloc (09022015). Collection method: clinical testing. Allele origin: germline.
Comment: This sequence change creates a premature translational stop signal (p.Leu896Tyrfs*42) in the ATR gene. It is expected to result in an absent or disrupted protein product. Loss-of-function variants in ATR are known to be pathogenic (PMID: 21228398, 23144622). This variant is not present in population databases (gnomAD no frequency). This variant has not been reported in the literature in individuals affected with ATR-related conditions. For these reasons, this variant has been classified as Pathogenic.

Literature cited by the submitters: PubMed 21228398; PubMed 23144622.

NM_001184.4(ATR):c.2687_2690del (p.Leu896fs)

Gene: ATR (ATR checkpoint kinase; minus strand). Cytogenetic location: 3q23.
Variant type: Microsatellite.
Coding change: c.2687_2690del on transcript NM_001184.4 (MANE Select); coding-DNA positions 2687 to 2690, 4 bases deleted (TGTT; older notation c.2687_2690delTGTT).
Protein change: p.Leu896fs; shifts the reading frame from leucine 896.
Molecular consequence: frameshift variant.
Genome position (GRCh38, 1-based): chr3:142,553,342-142,553,345, AACA deleted on the plus strand (TGTT on the coding strand, the reverse complement: ATR is on the minus strand); deleting any 4 consecutive bases within chr3:142,553,342-142,553,350 gives the same sequence; the c. name uses the placement nearest the transcript's 3' end. VCF-style (leftmost placement, unchanged base first): chr3-142553341-TAACA-T. GRCh37 (hg19) VCF-style: chr3-142272183-TAACA-T.
Other names: c.2495_2498del, p.Leu832fs (NM_001354579.2); short protein forms L896fs, L832fs.
Identifiers: ClinVar variation 2693007 (VCV002693007.3), dbSNP rs2473380542, ClinGen allele CA2697556899.
Genomic context (GRCh38, chr3:142,553,341, plus strand): 5'-AGCTGCAACCAGAGCTCTAATTTCTGTGTATGCTGCTCCAGAGACAGATGCTGACTTGGA[TAACA>T]AACAATGCAATAAGTGTAAGAGTGCAAATGGTACCAAATCTCCTTTTGCGGCCCTAAAAT-3'